The following is an entry in ClinVar:

NM_013291.3(CPSF1):c.1393-4G>A

Gene: CPSF1 (cleavage and polyadenylation specific factor 1; minus strand). Cytogenetic location: 8q24.3.
Variant type: single nucleotide variant.
Coding change: c.1393-4G>A on transcript NM_013291.3 (MANE Select); 4 bases into the intron before coding-DNA position 1393, G replaced by A.
Molecular consequence: intron variant.
Genome position (GRCh38, 1-based): chr8:144,399,206, C>T on the plus strand (G>A on the coding strand, the complement: CPSF1 is on the minus strand). VCF-style: chr8-144399206-C-T. GRCh37 (hg19) VCF-style: chr8-145624596-C-T.
Identifiers: ClinVar variation 4084137 (VCV004084137.6).

ClinVar aggregate classification (germline): Likely benign (1 of 4 stars; one submission).

gnomAD v4.1: 179 of 1,610,252 alleles (0.011%); highest among the groups gnomAD compares: African/African-American, 0.17%; no homozygotes.

Submission:

CeGaT Center for Human Genetics Tuebingen
Classification: Likely benign. Last evaluated: 2025-06-01. Review status: criteria provided, single submitter. Criteria: CeGaT Center For Human Genetics Tuebingen Variant Classification Criteria Version 2. Collection method: clinical testing. Allele origin: germline. Affected: yes. Observed: 1 variant allele.
Comment: CPSF1: BP4